The following is an entry in ClinVar:

NM_000216.4(ANOS1):c.1759G>T (p.Val587Leu)

Gene: ANOS1 (anosmin 1; minus strand). Cytogenetic location: Xp22.31.
Variant type: single nucleotide variant.
Coding change: c.1759G>T on transcript NM_000216.4 (MANE Select); coding-DNA position 1759, G replaced by T.
Protein change: p.Val587Leu; replaces valine 587 with leucine.
Molecular consequence: missense variant.
Genome position (GRCh38, 1-based): chrX:8,535,674, C>A on the plus strand (G>T on the coding strand, the complement: ANOS1 is on the minus strand). VCF-style: chrX-8535674-C-A. GRCh37 (hg19) VCF-style: chrX-8503715-C-A.
Other names: short protein forms V587L.
Identifiers: ClinVar variation 516123 (VCV000516123.20), dbSNP rs137900287, ClinGen allele CA10343557.

ClinVar aggregate classification (germline): Benign/Likely benign. Review status: criteria provided, multiple submitters, no conflicts (2 of 4 stars). 9 submissions from 9 submitters: Benign (1); Likely benign (3). 5 of the submissions do not count toward it. Last evaluated 2026-02-01.

Conditions:
Amenorrhea. Identifiers: MedGen C0002453, MONDO:0001836, HP:0000141.
Hypogonadotropic hypogonadism 1 with or without anosmia (HH1). Also called: Kallmann syndrome, type 1, X-linked; DYSPLASIA OLFACTOGENITALIS OF DE MORSIER; HYPOGONADOTROPIC HYPOGONADISM 1 WITH ANOSMIA; Hypogonadotropic hypogonadism 1 with or without anosmia (Kallmann syndrome 1); HYPOGONADOTROPIC HYPOGONADISM AND ANOSMIA; KAL1-Related GnRH Deficiency (Kallmann Syndrome 1; Kallmann Syndrome, X-Linked). Identifiers: Orphanet 478, MedGen C1563719, MONDO:0010635, OMIM 308700. Disease mechanism: loss of function.

Allele frequency attached by ClinVar (database versions not stated): 1000 Genomes Project 30x 0.00083; 1000 Genomes Project 0.00106; ExAC 0.00212; gnomAD exomes 0.00224; gnomAD 0.00263 and 0.00268; ESP Exome Variant Server 0.00265; TOPMed 0.00278.
gnomAD v4.1: 4,141 of 1,209,306 alleles (0.34%); highest among the groups gnomAD compares: Non-Finnish European, 0.41%; 11 homozygotes.

Submissions (9):

Labcorp Genetics (formerly Invitae), Labcorp
Classification: Benign for Hypogonadotropic hypogonadism 1 with or without anosmia. Last evaluated: 2026-02-01. Review status: criteria provided, single submitter. Criteria: Invitae Variant Classification Sherloc (09022015). Collection method: clinical testing. Allele origin: germline.

Blueprint Genetics
Classification: Likely benign. Last evaluated: 2024-11-20. Review status: criteria provided, single submitter. Criteria: ACMG Guidelines, 2015. Collection method: clinical testing. Allele origin: germline.

GeneDx
Classification: Likely benign. Last evaluated: 2021-03-04. Review status: criteria provided, single submitter. Criteria: GeneDx Variant Classification Process June 2021. Collection method: clinical testing. Allele origin: germline. Affected: yes.
Comment: This variant is associated with the following publications: (PMID: 23643382, 22035731, 19377476, 26350515)

Breakthrough Genomics
Classification: Likely benign. Review status: criteria provided, single submitter. Criteria: ACMG Guidelines, 2015. Collection method: not provided. Allele origin: germline. Inheritance: X-linked recessive inheritance. Affected: yes.

Yale Center for Mendelian Genomics, Yale University
Classification: Uncertain significance for Amenorrhea. Last evaluated: 2021-03-08. Review status: no assertion criteria provided. Collection method: literature only. Allele origin: unknown. Affected: yes. Observed: 2 heterozygotes. Study: Yale Center for Mendelian Genomics. Not counted in ClinVar's aggregate classification.

Clinical Genetics DNA and cytogenetics Diagnostics Lab, Erasmus MC, Erasmus Medical Center
Classification: Benign. Review status: no assertion criteria provided. Collection method: clinical testing. Allele origin: germline. Affected: yes. Study: VKGL Data-share Consensus. Not counted in ClinVar's aggregate classification.

Clinical Genetics, Academic Medical Center
Classification: Benign. Review status: no assertion criteria provided. Collection method: clinical testing. Allele origin: germline. Affected: yes. Study: VKGL Data-share Consensus. Not counted in ClinVar's aggregate classification.

Joint Genome Diagnostic Labs from Nijmegen and Maastricht, Radboudumc and MUMC+
Classification: Likely benign. Review status: no assertion criteria provided. Collection method: clinical testing. Allele origin: germline. Affected: yes. Study: VKGL Data-share Consensus. Not counted in ClinVar's aggregate classification.

Laboratory of Diagnostic Genome Analysis, Leiden University Medical Center (LUMC)
Classification: Likely benign. Review status: no assertion criteria provided. Collection method: clinical testing. Allele origin: germline. Affected: yes. Study: VKGL Data-share Consensus. Not counted in ClinVar's aggregate classification.

Literature cited by the submitters: PubMed 32870266 (cited by Yale Center for Mendelian Genomics, Yale University).